The following is an entry in ClinVar:

ClinVar aggregate classification (germline): Uncertain significance (1 of 4 stars; one submission).

Allele frequency attached by ClinVar (database versions not stated): gnomAD 0.00001; gnomAD exomes 0.00001 and 0.00004; TOPMed 0.00003.
gnomAD v4.1: 9 of 1,189,535 alleles (0.00076%); highest among the groups gnomAD compares: East Asian, 0.0061%; no homozygotes.

Submission:

Labcorp Genetics (formerly Invitae), Labcorp
Classification: Uncertain significance. Last evaluated: 2025-07-29. Review status: criteria provided, single submitter. Criteria: Invitae Variant Classification Sherloc (09022015). Collection method: clinical testing. Allele origin: germline.
Comment: This sequence change replaces proline, which is neutral and non-polar, with leucine, which is neutral and non-polar, at codon 950 of the COL4A6 protein (p.Pro950Leu). This variant is present in population databases (rs763273338, gnomAD 0.04%). This variant has not been reported in the literature in individuals affected with COL4A6-related conditions. ClinVar contains an entry for this variant (Variation ID: 1417149). Invitae Evidence Modeling of protein sequence and biophysical properties (such as structural, functional, and spatial information, amino acid conservation, physicochemical variation, residue mobility, and thermodynamic stability) indicates that this missense variant is expected to disrupt COL4A6 protein function with a positive predictive value of 80%. In summary, the available evidence is currently insufficient to determine the role of this variant in disease. Therefore, it has been classified as a Variant of Uncertain Significance.

NM_033641.4(COL4A6):c.2846C>T (p.Pro949Leu)

Gene: COL4A6 (collagen type IV alpha 6 chain; minus strand). Cytogenetic location: Xq22.3.
Variant type: single nucleotide variant.
Coding change: c.2846C>T on transcript NM_033641.4 (MANE Select); coding-DNA position 2846, C replaced by T.
Protein change: p.Pro949Leu; replaces proline 949 with leucine.
Molecular consequence: missense variant.
Genome position (GRCh38, 1-based): chrX:108,175,200, G>A on the plus strand (C>T on the coding strand, the complement: COL4A6 is on the minus strand). VCF-style: chrX-108175200-G-A. GRCh37 (hg19) VCF-style: chrX-107418430-G-A.
Other names: c.2897C>T, p.Pro966Leu (NM_001287758.2); c.2846C>T, p.Pro949Leu (NM_001287759.2, NM_001287760.2); c.2849C>T, p.Pro950Leu (NM_001847.4); short protein forms P966L, P950L, P949L.
Identifiers: ClinVar variation 1417149 (VCV001417149.6), dbSNP rs763273338, ClinGen allele CA10487549.
Genomic context (GRCh38, chrX:108,175,200, plus strand): 5'-TCTCCTTTGAGCCAAAGGTTTGACATTGGACGTCTTGGACTAGGTATTCCGACTGGCCCC[G>A]GATTGCCTCTGTCTCCTGCAGGGATGGAGATCAGCATGAGAAAGAGAGCTTAGACGCAGG-3'
Protein context (NP_378667.1, residues 939-959): TPGEKGDRGN[Pro949Leu]GPVGIPSPRR